The following is an entry in ClinVar:

NM_015311.3(OBSL1):c.427dup (p.Ala143fs)

Gene: OBSL1 (obscurin like cytoskeletal adaptor 1; minus strand). Cytogenetic location: 2q35.
Variant type: Duplication.
Coding change: c.427dup on transcript NM_015311.3 (MANE Select); coding-DNA position 427, one base duplicated (G; older notation c.427dupG).
Protein change: p.Ala143fs; shifts the reading frame from alanine 143.
Molecular consequence: frameshift variant.
Genome position (GRCh38, 1-based): chr2:219,570,806, C duplicated on the plus strand (G on the coding strand, the reverse complement: OBSL1 is on the minus strand); the first of 6 consecutive C bases (chr2:219,570,806-219,570,811); duplicating any one gives the same sequence. VCF-style (leftmost placement, unchanged base first): chr2-219570805-G-GC. GRCh37 (hg19) VCF-style: chr2-220435527-G-GC.
Other names: c.427dup, p.Ala143fs (NM_001173408.2, NM_001173431.2); short protein forms A143fs.
Identifiers: ClinVar variation 1705252 (VCV001705252.3), dbSNP rs1292663596, ClinGen allele CA539844408.

ClinVar aggregate classification (germline): Pathogenic/Likely pathogenic. Review status: criteria provided, multiple submitters, no conflicts (2 of 4 stars). 3 submissions from 3 submitters: Pathogenic (1); Likely pathogenic (2). Last evaluated 2026-01-11.

Conditions:
3M syndrome 2. Also called: 3-M Syndrome, OBSL1-Related; THREE M SYNDROME 2. Identifiers: Orphanet 2616, MedGen C2752041, MONDO:0013039, OMIM 612921.

Submissions (3):

Labcorp Genetics (formerly Invitae), Labcorp
Classification: Pathogenic. Last evaluated: 2026-01-11. Review status: criteria provided, single submitter. Criteria: Invitae Variant Classification Sherloc (09022015). Collection method: clinical testing. Allele origin: germline.
Comment: This sequence change creates a premature translational stop signal (p.Ala143Glyfs*111) in the OBSL1 gene. It is expected to result in an absent or disrupted protein product. Loss-of-function variants in OBSL1 are known to be pathogenic (PMID: 19481195, 19877176). The frequency data for this variant in the population databases is considered unreliable, as metrics indicate poor data quality at this position in the gnomAD database. This premature translational stop signal has been observed in individual(s) with OBSL1-related conditions (PMID: 38407006). ClinVar contains an entry for this variant (Variation ID: 1705252). For these reasons, this variant has been classified as Pathogenic.

Fulgent Genetics
Classification: Likely pathogenic for 3M syndrome 2. Last evaluated: 2024-01-26. Review status: criteria provided, single submitter. Criteria: ACMG Guidelines, 2015. Collection method: clinical testing. Allele origin: germline.

Women's Health and Genetics/Laboratory Corporation of America, LabCorp
Classification: Likely pathogenic for 3M syndrome 2. Last evaluated: 2022-08-31. Review status: criteria provided, single submitter. Criteria: LabCorp Variant Classification Summary - May 2015. Collection method: clinical testing. Allele origin: germline.
Comment: Variant summary: OBSL1 c.427dupG (p.Ala143GlyfsX111) results in a premature termination codon, predicted to cause a truncation of the encoded protein or absence of the protein due to nonsense mediated decay, which are commonly known mechanisms for disease. Truncations downstream of this position have been classified as pathogenic by our laboratory. The variant allele was found at a frequency of 9.7e-06 in 103108 control chromosomes. To our knowledge, no occurrence of c.427dupG in individuals affected with Three M Syndrome 2 and no experimental evidence demonstrating its impact on protein function have been reported. No clinical diagnostic laboratories have submitted clinical-significance assessments for this variant to ClinVar after 2014. Based on the evidence outlined above, the variant was classified as likely pathogenic.

Literature cited by the submitters: PubMed 19481195 (cited by Labcorp Genetics (formerly Invitae), Labcorp); PubMed 19877176 (cited by Labcorp Genetics (formerly Invitae), Labcorp); PubMed 38407006 (cited by Labcorp Genetics (formerly Invitae), Labcorp).